The following is an entry in ClinVar:

NC_000023.11:g.(?_18920012)_(18920221_?)del

Gene: PHKA2 (phosphorylase kinase regulatory subunit alpha 2; minus strand). Cytogenetic location: Xp22.13.
Variant type: Deletion.
Identifiers: ClinVar variation 583617 (VCV000583617.1).

ClinVar aggregate classification (germline): Pathogenic (1 of 4 stars; one submission).

Conditions:
Glycogen storage disease IXa1. Also called: LIVER GLYCOGENOSIS, X-LINKED, TYPE I; Glycogen storage disease 8; GLYCOGEN STORAGE DISEASE VIII; GSD VIII. Identifiers: Orphanet 264580, MedGen C3694531, MONDO:0010598, OMIM 306000.

Submission:

Labcorp Genetics (formerly Invitae), Labcorp
Classification: Pathogenic for Glycogen storage disease type IXa1. Last evaluated: 2018-06-25. Review status: criteria provided, single submitter. Criteria: Invitae Variant Classification Sherloc (09022015). Collection method: clinical testing. Allele origin: germline.
Comment: This variant is an out-of-frame deletion of the genomic region encompassing exon 18 of the PHKA2 gene. This is expected to create a premature translational stop signal and result in an absent or disrupted protein product. This variant has not been reported in the literature in individuals with PHKA2-related disease. Loss-of-function variants in PHKA2 are known to be pathogenic (PMID: 7711737, 10330341). For these reasons, this variant has been classified as Pathogenic.